The following is an entry in ClinVar:

ClinVar aggregate classification (germline): Uncertain significance. Review status: criteria provided, multiple submitters, no conflicts (2 of 4 stars). 3 submissions from 3 submitters: Uncertain significance (2). 1 of the submissions does not count toward it. Last evaluated 2024-11-08.

Conditions:
Retinal dystrophy. Also called: Inherited retinal dystrophy. Identifiers: Orphanet 71862, MedGen C0854723, MeSH D058499, MONDO:0019118, HP:0000556.

Submissions (3):

Labcorp Genetics (formerly Invitae), Labcorp
Classification: Uncertain significance. Last evaluated: 2024-11-08. Review status: criteria provided, single submitter. Criteria: Invitae Variant Classification Sherloc (09022015). Collection method: clinical testing. Allele origin: germline.
Comment: This sequence change replaces arginine, which is basic and polar, with histidine, which is basic and polar, at codon 338 of the ZNF513 protein (p.Arg338His). This variant is present in population databases (rs772195452, gnomAD 0.002%). This variant has not been reported in the literature in individuals affected with ZNF513-related conditions. An algorithm developed to predict the effect of missense changes on protein structure and function (PolyPhen-2) suggests that this variant is likely to be disruptive. In summary, the available evidence is currently insufficient to determine the role of this variant in disease. Therefore, it has been classified as a Variant of Uncertain Significance.

Blueprint Genetics
Classification: Uncertain significance. Last evaluated: 2019-03-07. Review status: criteria provided, single submitter. Criteria: ACMG Guidelines, 2015. Collection method: clinical testing. Allele origin: germline.

Institute of Human Genetics, Univ. Regensburg, Univ. Regensburg
Classification: Uncertain significance for Retinal dystrophy. Last evaluated: 2023-01-01. Review status: no assertion criteria provided. Criteria: ACMG Guidelines, 2015. Collection method: clinical testing. Allele origin: germline. Affected: yes. Not counted in ClinVar's aggregate classification.

NM_144631.6(ZNF513):c.1013G>A (p.Arg338His)

Gene: ZNF513 (zinc finger protein 513; minus strand). Cytogenetic location: 2p23.3.
Variant type: single nucleotide variant.
Coding change: c.1013G>A on transcript NM_144631.6 (MANE Select); coding-DNA position 1013, G replaced by A.
Protein change: p.Arg338His; replaces arginine 338 with histidine.
Molecular consequence: missense variant.
Genome position (GRCh38, 1-based): chr2:27,378,158, C>T on the plus strand (G>A on the coding strand, the complement: ZNF513 is on the minus strand). VCF-style: chr2-27378158-C-T. GRCh37 (hg19) VCF-style: chr2-27601025-C-T.
Other names: c.827G>A, p.Arg276His (NM_001201459.2); short protein forms R276H, R338H.
Identifiers: ClinVar variation 3249622 (VCV003249622.4).